The following is an entry in ClinVar:

ClinVar aggregate classification (germline): Pathogenic. Review status: no assertion criteria provided (0 of 4 stars). 2 submissions from 2 submitters: Pathogenic (1). 1 of the submissions does not count toward it. Last evaluated 2005-02-01.

Conditions:
Blau syndrome (BLAUS). Also called: GRANULOMATOSIS, FAMILIAL JUVENILE SYSTEMIC; GRANULOMATOSIS, FAMILIAL, BLAU TYPE; GRANULOMATOUS INFLAMMATORY ARTHRITIS, DERMATITIS, AND UVEITIS, FAMILIAL; JABS SYNDROME; ARTHROCUTANEOUVEAL GRANULOMATOSIS. Identifiers: Orphanet 90340, MedGen C5201146, MONDO:0008523, OMIM 186580.

Submissions (2):

OMIM
Classification: Pathogenic for BLAU SYNDROME. Last evaluated: 2005-02-01. Review status: no assertion criteria provided. Collection method: literature only. Allele origin: germline.

Unité médicale des maladies autoinflammatoires, CHRU Montpellier
No classification provided. Condition: Sarcoidosis, early-onset. Review status: no classification provided. Collection method: not provided. Allele origin: unknown. Not counted in ClinVar's aggregate classification.
Comment: also involved in OMIM 186580 and 266600

Literature cited by the submitters: Shimomura, Y., Tada, R., Yamamoto, Y., Yuasa, T. Ocular sarcoidosis in a 7-year-old child. Jpn. J. Clin. Ophthal. 36: 109-112, 1982. (cited by OMIM); PubMed 15459013 (cited by OMIM).

NM_001370466.1(NOD2):c.1406A>T (p.His469Leu)

Gene: NOD2 (nucleotide binding oligomerization domain containing 2; plus strand). Cytogenetic location: 16q12.1.
Variant type: single nucleotide variant.
Coding change: c.1406A>T on transcript NM_001370466.1 (MANE Select); coding-DNA position 1406, A replaced by T.
Protein change: p.His469Leu; replaces histidine 469 with leucine.
Molecular consequence: missense variant. On other transcripts: non-coding transcript variant (1).
Genome position (GRCh38, 1-based): chr16:50,711,398, A>T. VCF-style: chr16-50711398-A-T. GRCh37 (hg19) VCF-style: chr16-50745309-A-T.
Other names: c.1487A>T, p.His496Leu (LRG_177t1, NM_022162.3); c.1406A>T, p.His469Leu (NM_001293557.2); short protein forms H496L, H469L.
Identifiers: ClinVar variation 4698 (VCV000004698.2), dbSNP rs104895472, ClinGen allele CA117025.
Genomic context (GRCh38, chr16:50,711,398, plus strand): 5'-CCTCAGCCCTGCACGGTTTGTGCCACCTGCCTGTCTTCTCATGGATGGTGTCCAAATGCC[A>T]CCAGGAACTGTTGCTGCAGGAGGGGGGGTCCCCAAAGACCACTACAGATATGTACCTGCT-3'
Protein context (NP_001357395.1, residues 459-479): PVFSWMVSKC[His469Leu]QELLLQEGGS